The following is an entry in ClinVar:

NM_017866.6(TMEM70):c.91G>A (p.Gly31Ser)

Gene: TMEM70 (transmembrane protein 70; plus strand). Cytogenetic location: 8q21.11.
Variant type: single nucleotide variant.
Coding change: c.91G>A on transcript NM_017866.6 (MANE Select); coding-DNA position 91, G replaced by A.
Protein change: p.Gly31Ser; replaces glycine 31 with serine.
Molecular consequence: missense variant. On other transcripts: non-coding transcript variant (1).
Genome position (GRCh38, 1-based): chr8:73,976,372, G>A. VCF-style: chr8-73976372-G-A. GRCh37 (hg19) VCF-style: chr8-74888607-G-A.
Other names: c.91G>A, p.Gly31Ser (NM_001040613.3); short protein forms G31S.
Identifiers: ClinVar variation 1896086 (VCV001896086.2), dbSNP rs1243795362, ClinGen allele CA371489241.

ClinVar aggregate classification (germline): Uncertain significance (1 of 4 stars; one submission).

Conditions:
Mitochondrial complex V (ATP synthase) deficiency, nuclear type 2. Also called: Nuclear-Encoded ATPase Deficiency, TMEM70-Related; ENCEPHALOCARDIOMYOPATHY, MITOCHONDRIAL, NEONATAL, DUE TO ATP SYNTHASE DEFICIENCY; MITOCHONDRIAL COMPLEX V (ATP SYNTHASE) DEFICIENCY, TMEM70 TYPE. Identifiers: Orphanet 1194, MedGen C3279699, MONDO:0013546, OMIM 614052.

Submission:

Labcorp Genetics (formerly Invitae), Labcorp
Classification: Uncertain significance for Mitochondrial complex V (ATP synthase) deficiency, nuclear type 2. Last evaluated: 2022-07-06. Review status: criteria provided, single submitter. Criteria: Invitae Variant Classification Sherloc (09022015). Collection method: clinical testing. Allele origin: germline.
Comment: This sequence change replaces glycine, which is neutral and non-polar, with serine, which is neutral and polar, at codon 31 of the TMEM70 protein (p.Gly31Ser). This variant is not present in population databases (gnomAD no frequency). This variant has not been reported in the literature in individuals affected with TMEM70-related conditions. Algorithms developed to predict the effect of missense changes on protein structure and function output the following: SIFT: "Tolerated"; PolyPhen-2: "Benign"; Align-GVGD: "Class C0". The serine amino acid residue is found in multiple mammalian species, which suggests that this missense change does not adversely affect protein function. In summary, the available evidence is currently insufficient to determine the role of this variant in disease. Therefore, it has been classified as a Variant of Uncertain Significance.